The following is an entry in ClinVar:

ClinVar aggregate classification (germline): Uncertain significance (1 of 4 stars; one submission).

Allele frequency attached by ClinVar (database versions not stated): gnomAD exomes 0.00001.
gnomAD v4.1: 4 of 1,614,190 alleles (0.00025%); highest among the groups gnomAD compares: Non-Finnish European, 0.00034%; no homozygotes.

Submission:

GeneDx
Classification: Uncertain significance. Last evaluated: 2025-04-01. Review status: criteria provided, single submitter. Criteria: GeneDx Variant Classification Process June 2021. Collection method: clinical testing. Allele origin: germline. Affected: yes.
Comment: Not observed at significant frequency in large population cohorts (gnomAD); In silico analysis indicates that this missense variant does not alter protein structure/function; Has not been previously published as pathogenic or benign to our knowledge

NM_005006.7(NDUFS1):c.493A>G (p.Ile165Val)

Gene: NDUFS1 (NADH:ubiquinone oxidoreductase core subunit S1; minus strand). Cytogenetic location: 2q33.3.
Variant type: single nucleotide variant.
Coding change: c.493A>G on transcript NM_005006.7 (MANE Select); coding-DNA position 493, A replaced by G.
Protein change: p.Ile165Val; replaces isoleucine 165 with valine.
Molecular consequence: missense variant.
Genome position (GRCh38, 1-based): chr2:206,147,589, T>C on the plus strand (A>G on the coding strand, the complement: NDUFS1 is on the minus strand). VCF-style: chr2-206147589-T-C. GRCh37 (hg19) VCF-style: chr2-207012313-T-C.
Other names: c.385A>G, p.Ile129Val (NM_001199981.2); c.160A>G, p.Ile54Val (NM_001199982.2); c.322A>G, p.Ile108Val (NM_001199983.2); c.535A>G, p.Ile179Val (NM_001199984.2); short protein forms I108V, I129V, I165V, I179V, I54V.
Identifiers: ClinVar variation 1712137 (VCV001712137.3), dbSNP rs995430660, ClinGen allele CA63667914.